The following is an entry in ClinVar:

ClinVar aggregate classification (germline): Likely pathogenic (1 of 4 stars; one submission).

Conditions:
Galactosylceramide beta-galactosidase deficiency. Also called: Krabbe Disease; Leukodystrophy, Globoid Cell; GALACTOCEREBROSIDASE DEFICIENCY; GALC DEFICIENCY; GLOBOID CELL LEUKOENCEPHALOPATHY. Identifiers: Orphanet 487, MedGen C0023521, MONDO:0009499, OMIM 245200.

Allele frequency attached by ClinVar (database versions not stated): gnomAD exomes below 0.00001; ExAC 0.00001; gnomAD 0.00001.
gnomAD v4.1: 4 of 1,612,708 alleles (0.00025%); highest among the groups gnomAD compares: African/African-American, 0.0027%; no homozygotes.

Submission:

Kasturba Medical College, Manipal, Kasturba Medical College, Manipal, Manipal Academy of Higher Education, Manipal, India
Classification: Likely pathogenic for Galactosylceramide beta-galactosidase deficiency. Review status: criteria provided, single submitter. Criteria: ACMG Guidelines, 2015. Collection method: clinical testing. Allele origin: maternal. Inheritance: Autosomal recessive inheritance. Affected: yes. Observed: 1 compound heterozygote.

NM_000153.4(GALC):c.1400C>A (p.Thr467Asn)

Gene: GALC (galactosylceramidase; minus strand). Cytogenetic location: 14q31.3.
Variant type: single nucleotide variant.
Coding change: c.1400C>A on transcript NM_000153.4 (MANE Select); coding-DNA position 1400, C replaced by A.
Protein change: p.Thr467Asn; replaces threonine 467 with asparagine.
Molecular consequence: missense variant.
Genome position (GRCh38, 1-based): chr14:87,947,817, G>T on the plus strand (C>A on the coding strand, the complement: GALC is on the minus strand). VCF-style: chr14-87947817-G-T. GRCh37 (hg19) VCF-style: chr14-88414161-G-T.
Other names: c.1331C>A, p.Thr444Asn (NM_001201401.2); c.1322C>A, p.Thr441Asn (NM_001201402.2); short protein forms T441N, T444N, T467N.
Identifiers: ClinVar variation 1339935 (VCV001339935.4), dbSNP rs750431739, ClinGen allele CA7297021.